The following is an entry in ClinVar:

NM_014285.7(EXOSC2):c.157A>G (p.Ile53Val)

Gene: EXOSC2 (exosome component 2; plus strand). Cytogenetic location: 9q34.12.
Variant type: single nucleotide variant.
Coding change: c.157A>G on transcript NM_014285.7 (MANE Select); coding-DNA position 157, A replaced by G.
Protein change: p.Ile53Val; replaces isoleucine 53 with valine.
Molecular consequence: missense variant. On other transcripts: non-coding transcript variant (1).
Genome position (GRCh38, 1-based): chr9:130,695,526, A>G. VCF-style: chr9-130695526-A-G. GRCh37 (hg19) VCF-style: chr9-133570913-A-G.
Other names: c.157A>G, p.Ile53Val (NM_001282708.1, NM_001282709.1); short protein forms I53V.
Identifiers: ClinVar variation 1996023 (VCV001996023.4), dbSNP rs2490775378, ClinGen allele CA375246392.

ClinVar aggregate classification (germline): Uncertain significance (1 of 4 stars; one submission).

gnomAD v4.1: 1 of 1,614,216 alleles (0.000062%); no homozygotes.

Submission:

Labcorp Genetics (formerly Invitae), Labcorp
Classification: Uncertain significance. Last evaluated: 2023-08-30. Review status: criteria provided, single submitter. Criteria: Invitae Variant Classification Sherloc (09022015). Collection method: clinical testing. Allele origin: germline.
Comment: This sequence change replaces isoleucine, which is neutral and non-polar, with valine, which is neutral and non-polar, at codon 53 of the EXOSC2 protein (p.Ile53Val). This variant is not present in population databases (gnomAD no frequency). This variant has not been reported in the literature in individuals affected with EXOSC2-related conditions. ClinVar contains an entry for this variant (Variation ID: 1996023). Advanced modeling of protein sequence and biophysical properties (such as structural, functional, and spatial information, amino acid conservation, physicochemical variation, residue mobility, and thermodynamic stability) performed at Invitae indicates that this missense variant is not expected to disrupt EXOSC2 protein function. In summary, the available evidence is currently insufficient to determine the role of this variant in disease. Therefore, it has been classified as a Variant of Uncertain Significance.